The following is an entry in ClinVar:

ClinVar aggregate classification (germline): Uncertain significance (1 of 4 stars; one submission).

Conditions:
Inborn genetic diseases. Identifiers: MedGen C0950123, MeSH D030342.

Submission:

Ambry Genetics
Classification: Uncertain significance for Inborn genetic diseases. Last evaluated: 2025-07-20. Review status: criteria provided, single submitter. Criteria: Ambry Variant Classification Scheme 2023. Collection method: clinical testing. Allele origin: germline.
Comment: The p.L366V variant (also known as c.1096C>G), located in coding exon 12 of the RTEL1 gene, results from a C to G substitution at nucleotide position 1096. The leucine at codon 366 is replaced by valine, an amino acid with highly similar properties. This amino acid position is conserved. In addition, this alteration is predicted to be tolerated by in silico analysis. Based on the available evidence, the clinical significance of this variant remains unclear.

NM_001283009.2(RTEL1):c.1096C>G (p.Leu366Val)

Genes: RTEL1 (regulator of telomere elongation helicase 1; plus strand), RTEL1-TNFRSF6B (RTEL1-TNFRSF6B readthrough (NMD candidate); plus strand). Cytogenetic location: 20q13.33.
Variant type: single nucleotide variant.
Coding change: c.1096C>G on transcript NM_001283009.2 (MANE Select); coding-DNA position 1096, C replaced by G.
Protein change: p.Leu366Val; replaces leucine 366 with valine.
Molecular consequence: missense variant. On other transcripts: non-coding transcript variant (1).
Genome position (GRCh38, 1-based): chr20:63,679,907, C>G. VCF-style: chr20-63679907-C-G. GRCh37 (hg19) VCF-style: chr20-62311260-C-G.
Other names: c.427C>G, p.Leu143Val (NM_001283010.1); c.1096C>G, p.Leu366Val (NM_016434.4); c.1168C>G, p.Leu390Val (NM_032957.5); short protein forms L143V, L366V, L390V.
Identifiers: ClinVar variation 4157613 (VCV004157613.1).